The following is an entry in ClinVar:

ClinVar aggregate classification (germline): Uncertain significance (1 of 4 stars; one submission).

Allele frequency attached by ClinVar (database versions not stated): gnomAD exomes below 0.00001; ExAC 0.00001; gnomAD 0.00004; TOPMed 0.00004.
gnomAD v4.1: 13 of 1,602,328 alleles (0.00081%); highest among the groups gnomAD compares: African/African-American, 0.016%; no homozygotes.

Submission:

Labcorp Genetics (formerly Invitae), Labcorp
Classification: Uncertain significance. Last evaluated: 2022-01-06. Review status: criteria provided, single submitter. Criteria: Invitae Variant Classification Sherloc (09022015). Collection method: clinical testing. Allele origin: germline.
Comment: This sequence change replaces threonine, which is neutral and polar, with alanine, which is neutral and non-polar, at codon 318 of the ATAD1 protein (p.Thr318Ala). This variant is present in population databases (rs759492930, gnomAD 0.02%). This variant has not been reported in the literature in individuals affected with ATAD1-related conditions. Algorithms developed to predict the effect of missense changes on protein structure and function output the following: SIFT: "Not Available"; PolyPhen-2: "Benign"; Align-GVGD: "Not Available". The alanine amino acid residue is found in multiple mammalian species, which suggests that this missense change does not adversely affect protein function. In summary, the available evidence is currently insufficient to determine the role of this variant in disease. Therefore, it has been classified as a Variant of Uncertain Significance.

NM_001321967.2(ATAD1):c.952A>G (p.Thr318Ala)

Gene: ATAD1 (ATPase family AAA domain containing 1; minus strand). Cytogenetic location: 10q23.31.
Variant type: single nucleotide variant.
Coding change: c.952A>G on transcript NM_001321967.2 (MANE Select); coding-DNA position 952, A replaced by G.
Protein change: p.Thr318Ala; replaces threonine 318 with alanine.
Molecular consequence: missense variant. On other transcripts: non-coding transcript variant (1).
Genome position (GRCh38, 1-based): chr10:87,756,802, T>C on the plus strand (A>G on the coding strand, the complement: ATAD1 is on the minus strand). VCF-style: chr10-87756802-T-C. GRCh37 (hg19) VCF-style: chr10-89516559-T-C.
Other names: c.862A>G, p.Thr288Ala (NM_001321968.2); c.595A>G, p.Thr199Ala (NM_001321969.2); c.952A>G, p.Thr318Ala (NM_032810.4); short protein forms T288A, T318A, T199A.
Identifiers: ClinVar variation 2142214 (VCV002142214.1), dbSNP rs759492930, ClinGen allele CA5589931.